The following is an entry in ClinVar:

ClinVar aggregate classification (germline): Conflicting classifications of pathogenicity. Review status: criteria provided, conflicting classifications (1 of 4 stars). 3 submissions from 3 submitters: Likely pathogenic (2); Uncertain significance (1). Last evaluated 2026-07-17.

Conditions:
PSMC3-related disorders.
Inborn genetic diseases. Identifiers: MedGen C0950123, MeSH D030342.

Submissions (3):

GeneDx
Classification: Uncertain significance. Last evaluated: 2026-07-17. Review status: criteria provided, single submitter. Criteria: GeneDx Variant Classification Process June 2021. Collection method: clinical testing. Allele origin: germline.
Comment: Not observed at significant frequency in large population cohorts (gnomAD); In silico analysis supports that this missense variant has a deleterious effect on protein structure/function; Has not been previously published as pathogenic or benign to our knowledge

Ambry Genetics
Classification: Likely pathogenic for Inborn genetic diseases. Last evaluated: 2025-07-10. Review status: criteria provided, single submitter. Criteria: Ambry Variant Classification Scheme 2023. Collection method: clinical testing. Allele origin: germline.
Comment: The c.712C>T (p.R238W) alteration is located in exon 7 (coding exon 7) of the PSMC3 gene. This alteration results from a C to T substitution at nucleotide position 712, causing the arginine (R) at amino acid position 238 to be replaced by a tryptophan (W). This variant was not reported in population-based cohorts in the Genome Aggregation Database (gnomAD). This amino acid position is highly conserved in available vertebrate species. This alteration is predicted to be deleterious by in silico analysis. Based on the available evidence, this alteration is classified as likely pathogenic.

Blueprint Genetics
Classification: Likely pathogenic for PSMC3-related disorders. Last evaluated: 2024-06-18. Review status: criteria provided, single submitter. Criteria: ACMG Guidelines, 2015. Collection method: clinical testing. Allele origin: de novo. Affected: yes. Observed: 1 variant allele.

NM_002804.5(PSMC3):c.712C>T (p.Arg238Trp)

Gene: PSMC3 (proteasome 26S subunit, ATPase 3; minus strand). Cytogenetic location: 11p11.2.
Variant type: single nucleotide variant.
Coding change: c.712C>T on transcript NM_002804.5 (MANE Select); coding-DNA position 712, C replaced by T.
Protein change: p.Arg238Trp; replaces arginine 238 with tryptophan.
Molecular consequence: missense variant.
Genome position (GRCh38, 1-based): chr11:47,422,853, G>A on the plus strand (C>T on the coding strand, the complement: PSMC3 is on the minus strand). VCF-style: chr11-47422853-G-A. GRCh37 (hg19) VCF-style: chr11-47444404-G-A.
Other names: short protein forms R238W.
Identifiers: ClinVar variation 3253547 (VCV003253547.4), dbSNP rs2496056054.
Genomic context (GRCh38, chr11:47,422,853, plus strand): 5'-CTGCCCACTTCCCCCGCATCCCTCCCAAAGTACTCACCTTAGTCTGTGCGGCACAGGCCC[G>A]GGCCAGGAGGGTCTTCCCCGTCCCTGGGGGCCCATACATCAGCACCCCTTTTGGAGGTTG-3'
Protein context (NP_002795.2, residues 228-248): PPGTGKTLLA[Arg238Trp]ACAAQTKATF